The following is an entry in ClinVar:

ClinVar aggregate classification (germline): Uncertain significance (1 of 4 stars; one submission).

Submission:

Labcorp Genetics (formerly Invitae), Labcorp
Classification: Uncertain significance. Last evaluated: 2022-07-13. Review status: criteria provided, single submitter. Criteria: Invitae Variant Classification Sherloc (09022015). Collection method: clinical testing. Allele origin: germline.
Comment: This sequence change replaces alanine, which is neutral and non-polar, with threonine, which is neutral and polar, at codon 514 of the RASA2 protein (p.Ala514Thr). This variant is not present in population databases (gnomAD no frequency). This variant has not been reported in the literature in individuals affected with RASA2-related conditions. Algorithms developed to predict the effect of missense changes on protein structure and function are either unavailable or do not agree on the potential impact of this missense change (SIFT: "Deleterious"; PolyPhen-2: "Probably Damaging"; Align-GVGD: "Class C0"). In summary, the available evidence is currently insufficient to determine the role of this variant in disease. Therefore, it has been classified as a Variant of Uncertain Significance.

NM_006506.5(RASA2):c.1540G>A (p.Ala514Thr)

Gene: RASA2 (RAS p21 protein activator 2; plus strand). Cytogenetic location: 3q23.
Variant type: single nucleotide variant.
Coding change: c.1540G>A on transcript NM_006506.5 (MANE Select); coding-DNA position 1540, G replaced by A.
Protein change: p.Ala514Thr; replaces alanine 514 with threonine.
Molecular consequence: missense variant.
Genome position (GRCh38, 1-based): chr3:141,577,056, G>A. VCF-style: chr3-141577056-G-A. GRCh37 (hg19) VCF-style: chr3-141295898-G-A.
Other names: c.1540G>A, p.Ala514Thr (NM_001303245.3, NM_001303246.3); short protein forms A514T.
Identifiers: ClinVar variation 2053395 (VCV002053395.4), dbSNP rs2478738055, ClinGen allele CA354779025.